The following is an entry in ClinVar:

ClinVar aggregate classification (germline): Uncertain significance (1 of 4 stars; one submission).

Conditions:
Dyskeratosis congenita, autosomal dominant 1 (DKCA1). Also called: Dyskeratosis congenita Scoggins type. Identifiers: Orphanet 1775, MedGen C4551974, MONDO:0007485, OMIM 127550. Inheritance: Variable.

Allele frequency attached by ClinVar (database versions not stated): TOPMed 0.00002.
gnomAD v4.1: 2 of 765,230 alleles (0.00026%); highest among the groups gnomAD compares: African/African-American, 0.0034%; no homozygotes.

Submission:

Labcorp Genetics (formerly Invitae), Labcorp
Classification: Uncertain significance for Dyskeratosis congenita, autosomal dominant 1. Last evaluated: 2025-06-13. Review status: criteria provided, single submitter. Criteria: Invitae Variant Classification Sherloc (09022015). Collection method: clinical testing. Allele origin: germline.
Comment: This variant occurs in the TERC gene, which encodes an RNA molecule that does not result in a protein product. This variant is not present in population databases (gnomAD no frequency). This variant has not been reported in the literature in individuals affected with TERC-related conditions. ClinVar contains an entry for this variant (Variation ID: 534176). This variant is located within the template/pseudoknot domain of the TERC RNA component, which is required for RNA or RNP stability (PMID: 15082312, 21844345). This variant is located in a region of TERC in which a significant number of disease causing variants have been reported (PMID: 15082312, 21844345, 21931702). These observations suggest that this may be a clinically significant region. In summary, the available evidence is currently insufficient to determine the role of this variant in disease. Therefore, it has been classified as a Variant of Uncertain Significance.

Literature cited by the submitters: PubMed 15082312; PubMed 21844345; PubMed 21931702.

NC_000003.12:g.169764927G>C

Genes: TERC (telomerase RNA component; minus strand), LOC110806306 (telomerase RNA component (TERC) promoter; plus strand). Cytogenetic location: 3q26.2.
Variant type: single nucleotide variant.
Genome position: GRCh38 VCF-style: chr3-169764927-G-C. GRCh37 (hg19) VCF-style: chr3-169482715-G-C.
Identifiers: ClinVar variation 534176 (VCV000534176.8), dbSNP rs1306157402, ClinGen allele CA436715690.